The following is an entry in ClinVar:

ClinVar aggregate classification (germline): Uncertain significance (1 of 4 stars; one submission).

gnomAD v4.1: 13 of 1,549,080 alleles (0.00084%); highest among the groups gnomAD compares: African/African-American, 0.0042%; no homozygotes.

Submission:

GeneDx
Classification: Uncertain significance. Last evaluated: 2024-04-22. Review status: criteria provided, single submitter. Criteria: GeneDx Variant Classification Process June 2021. Collection method: clinical testing. Allele origin: germline. Affected: yes.
Comment: Not observed at significant frequency in large population cohorts (gnomAD); In silico analysis suggests this variant may impact gene splicing. In the absence of RNA/functional studies, the actual effect of this sequence change is unknown.; In silico analysis supports that this missense variant does not alter protein structure/function; Has not been previously published as pathogenic or benign to our knowledge

NM_001170629.2(CHD8):c.7589G>A (p.Arg2530Gln)

Gene: CHD8 (chromodomain helicase DNA binding protein 8; minus strand). Cytogenetic location: 14q11.2.
Variant type: single nucleotide variant.
Coding change: c.7589G>A on transcript NM_001170629.2 (MANE Select); coding-DNA position 7589, G replaced by A.
Protein change: p.Arg2530Gln; replaces arginine 2530 with glutamine.
Molecular consequence: missense variant.
Genome position (GRCh38, 1-based): chr14:21,385,770, C>T on the plus strand (G>A on the coding strand, the complement: CHD8 is on the minus strand). VCF-style: chr14-21385770-C-T. GRCh37 (hg19) VCF-style: chr14-21853929-C-T.
Other names: c.6752G>A, p.Arg2251Gln (NM_020920.4); short protein forms R2251Q, R2530Q.
Identifiers: ClinVar variation 3369487 (VCV003369487.1).